The following is an entry in ClinVar:

NM_052865.4(MGME1):c.48_50del (p.Lys17del)

Genes: MGME1 (mitochondrial genome maintenance exonuclease 1; plus strand), LOC126862983 (CDK7 strongly-dependent group 2 enhancer GRCh37_chr20:17950167-17951366; plus strand). Cytogenetic location: 20p11.23.
Variant type: Deletion.
Coding change: c.48_50del on transcript NM_052865.4 (MANE Select); coding-DNA positions 48 to 50, 3 bases deleted (AAA; older notation c.48_50delAAA).
Protein change: p.Lys17del; deletes lysine 17.
Molecular consequence: inframe deletion.
Genome position (GRCh38, 1-based): chr20:17,969,907-17,969,909, AAA deleted. VCF-style (leftmost placement, unchanged base first): chr20-17969906-CAAA-C. GRCh37 (hg19) VCF-style: chr20-17950549-CAAA-C.
Other names: c.48_50del, p.Lys17del (NM_001310338.2, NM_001310339.2, NM_001363738.2); short protein forms K17del.
Identifiers: ClinVar variation 2175875 (VCV002175875.4), dbSNP rs1220858106, ClinGen allele CA635264525.

ClinVar aggregate classification (germline): Uncertain significance (1 of 4 stars; one submission).

Submission:

Labcorp Genetics (formerly Invitae), Labcorp
Classification: Uncertain significance. Last evaluated: 2022-08-15. Review status: criteria provided, single submitter. Criteria: Invitae Variant Classification Sherloc (09022015). Collection method: clinical testing. Allele origin: germline.
Comment: This variant, c.48_50del, results in the deletion of 1 amino acid(s) of the MGME1 protein (p.Lys17del), but otherwise preserves the integrity of the reading frame. In summary, the available evidence is currently insufficient to determine the role of this variant in disease. Therefore, it has been classified as a Variant of Uncertain Significance. Experimental studies and prediction algorithms are not available or were not evaluated, and the functional significance of this variant is currently unknown. This variant has not been reported in the literature in individuals affected with MGME1-related conditions. This variant is not present in population databases (gnomAD no frequency).